The following is an entry in ClinVar:

NM_152743.4(BRAT1):c.728G>A (p.Arg243His)

Gene: BRAT1 (BRCA1 associated ATM activator 1; minus strand). Cytogenetic location: 7p22.3.
Variant type: single nucleotide variant.
Coding change: c.728G>A on transcript NM_152743.4 (MANE Select); coding-DNA position 728, G replaced by A.
Protein change: p.Arg243His; replaces arginine 243 with histidine.
Molecular consequence: missense variant. On other transcripts: non-coding transcript variant (1).
Genome position (GRCh38, 1-based): chr7:2,543,665, C>T on the plus strand (G>A on the coding strand, the complement: BRAT1 is on the minus strand). VCF-style: chr7-2543665-C-T. GRCh37 (hg19) VCF-style: chr7-2583299-C-T.
Other names: c.728G>A, p.Arg243His (NM_001350626.2); c.203G>A, p.Arg68His (NM_001350627.2); short protein forms R243H, R68H.
Identifiers: ClinVar variation 540182 (VCV000540182.19), dbSNP rs148261595, ClinGen allele CA4128116.
Genomic context (GRCh38, chr7:2,543,665, plus strand): 5'-AGCAGGTCCACGAACGAGTGTGCGGCGGGGATGGGGTCTCTCTCCAGCAGACAGGCCACG[C>T]GGGGACTCAGCCGCACCCACAGGGCTTCCGTCCAGGGGCTCTGGCAGCGCCCGAAGGTCG-3'
Protein context (NP_689956.2, residues 233-253): TEALWVRLSP[Arg243His]VACLLERDPI

ClinVar aggregate classification (germline): Likely benign. Review status: criteria provided, multiple submitters, no conflicts (2 of 4 stars). 5 submissions from 5 submitters: Likely benign (4). 1 of the submissions does not count toward it. Last evaluated 2026-01-25.

Conditions:
Neonatal-onset encephalopathy with rigidity and seizures. Also called: Lethal neonatal spasticity-epileptic encephalopathy syndrome. Identifiers: Orphanet 435845, MedGen C3281029, MONDO:0013784, OMIM 614498.
BRAT1-related disorder. Also called: BRAT1-related disorders; BRAT1-related condition.
Inborn genetic diseases. Identifiers: MedGen C0950123, MeSH D030342.

Allele frequency attached by ClinVar (database versions not stated): gnomAD exomes 0.00042; ExAC 0.00043; TOPMed 0.00144; gnomAD 0.00147 and 0.00152; 1000 Genomes Project 0.00160; ESP Exome Variant Server 0.00169; 1000 Genomes Project 30x 0.00172.
gnomAD v4.1: 602 of 1,559,012 alleles (0.039%); highest among the groups gnomAD compares: African/African-American, 0.49%; 1 homozygote.

Submissions (5):

Labcorp Genetics (formerly Invitae), Labcorp
Classification: Likely benign for Neonatal-onset encephalopathy with rigidity and seizures. Last evaluated: 2026-01-25. Review status: criteria provided, single submitter. Criteria: Invitae Variant Classification Sherloc (09022015). Collection method: clinical testing. Allele origin: germline.

Ambry Genetics
Classification: Likely benign for Inborn genetic diseases. Last evaluated: 2023-12-05. Review status: criteria provided, single submitter. Criteria: Ambry Variant Classification Scheme 2023. Collection method: clinical testing. Allele origin: germline.

GeneDx
Classification: Likely benign. Last evaluated: 2020-09-30. Review status: criteria provided, single submitter. Criteria: GeneDx Variant Classification Process June 2021. Collection method: clinical testing. Allele origin: germline. Affected: yes.

Breakthrough Genomics
Classification: Likely benign. Review status: criteria provided, single submitter. Criteria: ACMG Guidelines, 2015. Collection method: not provided. Allele origin: germline. Inheritance: Autosomal recessive inheritance. Affected: yes.

PreventionGenetics, part of Exact Sciences
Classification: Likely benign for BRAT1-related condition. Last evaluated: 2022-02-23. Review status: no assertion criteria provided. Collection method: clinical testing. Allele origin: germline. Not counted in ClinVar's aggregate classification.
Comment: This variant is classified as likely benign based on ACMG/AMP sequence variant interpretation guidelines (Richards et al. 2015 PMID: 25741868, with internal and published modifications).